The following is an entry in ClinVar:

NM_001006658.3(CR2):c.2204C>G (p.Ser735Ter)

Gene: CR2 (complement C3d receptor 2; plus strand). Cytogenetic location: 1q32.2.
Variant type: single nucleotide variant.
Coding change: c.2204C>G on transcript NM_001006658.3 (MANE Select); coding-DNA position 2204, C replaced by G.
Protein change: p.Ser735Ter; replaces serine 735 with a stop codon.
Molecular consequence: nonsense.
Genome position (GRCh38, 1-based): chr1:207,473,849, C>G. VCF-style: chr1-207473849-C-G. GRCh37 (hg19) VCF-style: chr1-207647194-C-G.
Other names: c.2027C>G, p.Ser676Ter (NM_001877.5); short protein forms S676*, S735*.
Identifiers: ClinVar variation 1061097 (VCV001061097.7), dbSNP rs1334688271, ClinGen allele CA344536551.
Genomic context (GRCh38, chr1:207,473,849, plus strand): 5'-TTGCTTCTCCAGAAACATGCCAGCATGTGAGACAGAGTCTTCAAGAACTTCCAGCTGGTT[C>G]ACGTGTGGAGCTAGTTAATACGTCCTGCCAAGATGGGTGAGTATGAAGTGGTCTATTCTG-3'

ClinVar aggregate classification (germline): Pathogenic (1 of 4 stars; one submission).

Conditions:
Immunodeficiency, common variable, 7. Identifiers: Orphanet 1572, Orphanet 696894, MedGen C3542922, MONDO:0013862, OMIM 614699.

Allele frequency attached by ClinVar (database versions not stated): gnomAD exomes 0.00001; gnomAD 0.00001.

Submission:

Labcorp Genetics (formerly Invitae), Labcorp
Classification: Pathogenic for Immunodeficiency, common variable, 7. Last evaluated: 2022-09-19. Review status: criteria provided, single submitter. Criteria: Invitae Variant Classification Sherloc (09022015). Collection method: clinical testing. Allele origin: germline.
Comment: For these reasons, this variant has been classified as Pathogenic. ClinVar contains an entry for this variant (Variation ID: 1061097). This variant has not been reported in the literature in individuals affected with CR2-related conditions. This variant is present in population databases (no rsID available, gnomAD 0.002%). This sequence change creates a premature translational stop signal (p.Ser735*) in the CR2 gene. It is expected to result in an absent or disrupted protein product. Loss-of-function variants in CR2 are known to be pathogenic (PMID: 26325596, 28499783).

Literature cited by the submitters: PubMed 26325596; PubMed 28499783.